The following is an entry in ClinVar:

NM_000093.5(COL5A1):c.4338+1G>A

Gene: COL5A1 (collagen type V alpha 1 chain; plus strand). Cytogenetic location: 9q34.3.
Variant type: single nucleotide variant.
Coding change: c.4338+1G>A on transcript NM_000093.5 (MANE Select); the canonical splice donor site of the intron after coding-DNA position 4338, G replaced by A.
Molecular consequence: splice donor variant.
Genome position (GRCh38, 1-based): chr9:134,818,764, G>A. VCF-style: chr9-134818764-G-A. GRCh37 (hg19) VCF-style: chr9-137710610-G-A.
Other names: c.4338+1G>A (NM_001278074.1).
Identifiers: ClinVar variation 619958 (VCV000619958.5), dbSNP rs1564481053, ClinGen allele CA375457339.

ClinVar aggregate classification (germline): Pathogenic/Likely pathogenic. Review status: criteria provided, multiple submitters, no conflicts (2 of 4 stars). 2 submissions from 2 submitters: Pathogenic (1); Likely pathogenic (1). Last evaluated 2016-09-08.

Conditions:
Ehlers-Danlos syndrome, classic type, 1 (EDSCL1). Also called: Ehlers-Danlos Syndrome, Classic Type, COL5A1-Related; EDS I; Ehlers-Danlos syndrome, type 1; EHLERS-DANLOS SYNDROME, GRAVIS TYPE; EHLERS-DANLOS SYNDROME, SEVERE CLASSIC TYPE. Identifiers: MedGen C0268335, MONDO:0019567, OMIM 130000.
Ehlers-Danlos syndrome, classic type (cEDS). Identifiers: Orphanet 287, MedGen C4225429, MONDO:0007522.

Submissions (2):

Molecular Diagnostics Laboratory, M Health Fairview: University of Minnesota
Classification: Pathogenic for Ehlers-Danlos syndrome, classic type, 1. Last evaluated: 2016-09-08. Review status: criteria provided, single submitter. Criteria: ACMG Guidelines, 2015. Collection method: clinical testing. Allele origin: germline. Affected: yes. Observed: 1 variant allele.

Neuberg Centre For Genomic Medicine, NCGM
Classification: Likely pathogenic for Ehlers-Danlos syndrome, classic type, 1. Review status: criteria provided, single submitter. Criteria: ACMG Guidelines, 2015. Collection method: clinical testing. Allele origin: germline. Inheritance: Autosomal dominant inheritance. Affected: yes.
Comment: The invariant splice donor c.4338+1G>A in COL5A1 gene has been submitted to ClinVar as a Pathogenic, but no details are available for independent assessment. The c.4338+1G>A variant is novel not in any individuals in 1000 Genomes and gnomAD Exomes. Functional studies are required to prove the pathogenicity for the variant. For these reasons, this variant has been classified as Likely Pathogenic.